The following is an entry in ClinVar:

NM_000642.3(AGL):c.861_864del (p.Ile288fs)

Gene: AGL (amylo-alpha-1,6-glucosidase and 4-alpha-glucanotransferase; plus strand). Cytogenetic location: 1p21.2.
Variant type: Deletion.
Coding change: c.861_864del on transcript NM_000642.3 (MANE Select); coding-DNA positions 861 to 864, 4 bases deleted (AATT; older notation c.861_864delAATT).
Protein change: p.Ile288fs; shifts the reading frame from isoleucine 288.
Molecular consequence: frameshift variant.
Genome position (GRCh38, 1-based): chr1:99,870,772-99,870,775, AATT deleted; deleting any 4 consecutive bases within chr1:99,870,771-99,870,775 gives the same sequence; the c. name uses the placement nearest the transcript's 3' end. VCF-style (leftmost placement, unchanged base first): chr1-99870770-ATAAT-A. GRCh37 (hg19) VCF-style: chr1-100336326-ATAAT-A.
Other names: c.861_864delAATT, p.Ile288Glyfs (NM_000028.3, NM_000643.3, NM_001425325.1 and 3 more transcripts); c.483_486delAATT, p.Ile162Glyfs (NM_001425332.1); c.657_660delAATT, p.Ile220Glyfs (NM_001425328.1, NM_001425329.1); c.813_816delAATT, p.Ile272Glyfs (NM_000646.3); c.861_864del (NM_000642.2); short protein forms I272fs, I288fs.
Identifiers: ClinVar variation 641579 (VCV000641579.9), dbSNP rs1571243699, ClinGen allele CA915941346.

ClinVar aggregate classification (germline): Pathogenic/Likely pathogenic. Review status: criteria provided, multiple submitters, no conflicts (2 of 4 stars). 4 submissions from 4 submitters: Pathogenic (1); Likely pathogenic (3). Last evaluated 2025-12-23.

Conditions:
Glycogen storage disease type III (GSD3). Also called: FORBES DISEASE; Cori disease. Identifiers: Orphanet 366, MedGen C0017922, MONDO:0009291, OMIM 232400.

Submissions (4):

Labcorp Genetics (formerly Invitae), Labcorp
Classification: Pathogenic for Glycogen storage disease type III. Last evaluated: 2025-12-23. Review status: criteria provided, single submitter. Criteria: Invitae Variant Classification Sherloc (09022015). Collection method: clinical testing. Allele origin: germline.
Comment: This sequence change creates a premature translational stop signal (p.Ile288Glyfs*16) in the AGL gene. It is expected to result in an absent or disrupted protein product. Loss-of-function variants in AGL are known to be pathogenic (PMID: 19299494). This variant is not present in population databases (gnomAD no frequency). This variant has not been reported in the literature in individuals affected with AGL-related conditions. ClinVar contains an entry for this variant (Variation ID: 641579). For these reasons, this variant has been classified as Pathogenic.

Genome-Nilou Lab
Classification: Likely pathogenic for Glycogen storage disease type III. Last evaluated: 2023-04-11. Review status: criteria provided, single submitter. Criteria: ACMG Guidelines, 2015. Collection method: clinical testing. Allele origin: germline. Affected: no.

Baylor Genetics
Classification: Likely pathogenic for Glycogen storage disease type III. Last evaluated: 2022-08-06. Review status: criteria provided, single submitter. Criteria: ACMG Guidelines, 2015. Collection method: clinical testing. Allele origin: unknown.

Fulgent Genetics
Classification: Likely pathogenic for Glycogen storage disease type III. Last evaluated: 2021-07-15. Review status: criteria provided, single submitter. Criteria: ACMG Guidelines, 2015. Collection method: clinical testing. Allele origin: unknown.

Literature cited by the submitters: PubMed 19299494 (cited by Labcorp Genetics (formerly Invitae), Labcorp).